The following is an entry in ClinVar:

ClinVar aggregate classification (germline): Likely pathogenic (1 of 4 stars; one submission).

Conditions:
Rare genetic deafness. Identifiers: Orphanet 96210, MedGen C5680250.

Submission:

Laboratory for Molecular Medicine, Mass General Brigham Personalized Medicine
Classification: Likely pathogenic for Rare genetic deafness. Last evaluated: 2022-11-03. Review status: criteria provided, single submitter. Criteria: ACMG Guidelines, 2015. Collection method: clinical testing. Allele origin: germline.
Comment: The p.Ala902ArgfsX84 variant in MYO15A has not been reported in individuals with nonsyndromic hearing loss and was absent from large population studies. This variant is predicted to cause a frameshift, which alters the protein’s amino acid sequence beginning at position 902 and leads to a premature termination codon 84 amino acids downstream. This alteration is then predicted to lead to a truncated or absent protein. Loss of function of the MYO15A gene is an established disease mechanism in autosomal recessive nonsyndromic hearing loss. In summary, although additional studies are required to fully establish its clinical significance, this variant meets criteria to be classified as likely pathogenic for autosomal recessive nonsyndromic hearing loss. ACMG/AMP Criteria applied: PVS1, PM2_Supporting.

NM_016239.4(MYO15A):c.2704del (p.Ala902fs)

Gene: MYO15A (myosin XVA; plus strand). Cytogenetic location: 17p11.2.
Variant type: Deletion.
Coding change: c.2704del on transcript NM_016239.4 (MANE Select); coding-DNA position 2704, one base deleted (G; older notation c.2704delG).
Protein change: p.Ala902fs; shifts the reading frame from alanine 902.
Molecular consequence: frameshift variant.
Genome position (GRCh38, 1-based): chr17:18,121,504, G deleted; the last of 3 consecutive G bases (chr17:18,121,502-18,121,504); deleting any one gives the same sequence. VCF-style (leftmost placement, unchanged base first): chr17-18121501-CG-C. GRCh37 (hg19) VCF-style: chr17-18024815-CG-C.
Other names: short protein forms A902fs.
Identifiers: ClinVar variation 3075878 (VCV003075878.1), dbSNP rs2545189511, ClinGen allele CA2825002473.